The following is an entry in ClinVar:

NM_005802.5(TOPORS):c.563G>A (p.Arg188Gln)

Gene: TOPORS (TOP1 binding arginine/serine rich protein, E3 ubiquitin ligase; minus strand). Cytogenetic location: 9p21.1.
Variant type: single nucleotide variant.
Coding change: c.563G>A on transcript NM_005802.5 (MANE Select); coding-DNA position 563, G replaced by A.
Protein change: p.Arg188Gln; replaces arginine 188 with glutamine.
Molecular consequence: missense variant.
Genome position (GRCh38, 1-based): chr9:32,543,962, C>T on the plus strand (G>A on the coding strand, the complement: TOPORS is on the minus strand). VCF-style: chr9-32543962-C-T. GRCh37 (hg19) VCF-style: chr9-32543960-C-T.
Other names: c.368G>A, p.Arg123Gln (NM_001195622.2); short protein forms R123Q, R188Q.
Identifiers: ClinVar variation 3673792 (VCV003673792.3).

ClinVar aggregate classification (germline): Uncertain significance. Review status: criteria provided, multiple submitters, no conflicts (2 of 4 stars). 2 submissions from 2 submitters: Uncertain significance (2). Last evaluated 2024-05-10.

Submissions (2):

Labcorp Genetics (formerly Invitae), Labcorp
Classification: Uncertain significance. Last evaluated: 2024-05-10. Review status: criteria provided, single submitter. Criteria: Invitae Variant Classification Sherloc (09022015). Collection method: clinical testing. Allele origin: germline.
Comment: This sequence change replaces arginine, which is basic and polar, with glutamine, which is neutral and polar, at codon 188 of the TOPORS protein (p.Arg188Gln). This variant is not present in population databases (gnomAD no frequency). This variant has not been reported in the literature in individuals affected with TOPORS-related conditions. An algorithm developed to predict the effect of missense changes on protein structure and function (PolyPhen-2) suggests that this variant is likely to be disruptive. In summary, the available evidence is currently insufficient to determine the role of this variant in disease. Therefore, it has been classified as a Variant of Uncertain Significance.

Blueprint Genetics
Classification: Uncertain significance. Last evaluated: 2018-09-18. Review status: criteria provided, single submitter. Criteria: ACMG Guidelines, 2015. Collection method: clinical testing. Allele origin: germline.